The following is an entry in ClinVar:

ClinVar aggregate classification (germline): Uncertain significance (1 of 4 stars; one submission).

Conditions:
Creatine transporter deficiency (CCDS1). Also called: CEREBRAL CREATINE DEFICIENCY SYNDROME 1; Creatine Transporter (CRTR) Deficiency; Mental retardation , X-linked with seizures, short stature and midface hypoplasia; Mental retardation , X-linked, with creatine transport deficiency; X-linked creatine transporter deficiency; X-linked creatine deficiency syndrome. Identifiers: Orphanet 52503, MedGen C1845862, MONDO:0010305, OMIM 300352.

Submission:

Labcorp Genetics (formerly Invitae), Labcorp
Classification: Uncertain significance for Creatine transporter deficiency. Last evaluated: 2025-04-17. Review status: criteria provided, single submitter. Criteria: Invitae Variant Classification Sherloc (09022015). Collection method: clinical testing. Allele origin: germline.
Comment: This sequence change replaces valine, which is neutral and non-polar, with leucine, which is neutral and non-polar, at codon 629 of the SLC6A8 protein (p.Val629Leu). This variant is not present in population databases (gnomAD no frequency). This variant has not been reported in the literature in individuals affected with SLC6A8-related conditions. Invitae Evidence Modeling of protein sequence and biophysical properties (such as structural, functional, and spatial information, amino acid conservation, physicochemical variation, residue mobility, and thermodynamic stability) indicates that this missense variant is not expected to disrupt SLC6A8 protein function with a negative predictive value of 95%. In summary, the available evidence is currently insufficient to determine the role of this variant in disease. Therefore, it has been classified as a Variant of Uncertain Significance.

NM_005629.4(SLC6A8):c.1885G>C (p.Val629Leu)

Gene: SLC6A8 (solute carrier family 6 member 8; plus strand). Cytogenetic location: Xq28.
Variant type: single nucleotide variant.
Coding change: c.1885G>C on transcript NM_005629.4 (MANE Select); coding-DNA position 1885, G replaced by C.
Protein change: p.Val629Leu; replaces valine 629 with leucine.
Molecular consequence: missense variant.
Genome position (GRCh38, 1-based): chrX:153,695,191, G>C. VCF-style: chrX-153695191-G-C. GRCh37 (hg19) VCF-style: chrX-152960646-G-C.
Other names: c.1855G>C, p.Val619Leu (NM_001142805.2); c.1540G>C, p.Val514Leu (NM_001142806.1); short protein forms V514L, V629L, V619L.
Identifiers: ClinVar variation 4702936 (VCV004702936.1).